The following is an entry in ClinVar:

NM_021619.3(PRDM12):c.430G>A (p.Gly144Ser)

Gene: PRDM12 (PR/SET domain 12; plus strand). Cytogenetic location: 9q34.12.
Variant type: single nucleotide variant.
Coding change: c.430G>A on transcript NM_021619.3 (MANE Select); coding-DNA position 430, G replaced by A.
Protein change: p.Gly144Ser; replaces glycine 144 with serine.
Molecular consequence: missense variant.
Genome position (GRCh38, 1-based): chr9:130,668,173, G>A. VCF-style: chr9-130668173-G-A. GRCh37 (hg19) VCF-style: chr9-133543560-G-A.
Other names: short protein forms G144S.
Identifiers: ClinVar variation 1438189 (VCV001438189.3), dbSNP rs141272501, ClinGen allele CA5284537.
Genomic context (GRCh38, chr9:130,668,173, plus strand): 5'-TGGCATAGCCCTGCCTTACCTGGTCCTTGATCCATCTGTGCCCAGGTGTTCAATGAGGAT[G>A]GCACGGTGCGCTACTTCATCGATGCCAGCCAGGAGGACCACCGGAGCTGGATGACCTACA-3'
Protein context (NP_067632.2, residues 134-154): NLMWEVFNED[Gly144Ser]TVRYFIDASQ

ClinVar aggregate classification (germline): Uncertain significance (1 of 4 stars; one submission).

Conditions:
Congenital insensitivity to pain-hypohidrosis syndrome. Also called: HSAN VIII; Neuropathy, hereditary sensory and autonomic, type VIII. Identifiers: Orphanet 478664, MedGen C4225308, MONDO:0014662, OMIM 616488.

Allele frequency attached by ClinVar (database versions not stated): gnomAD exomes 0.00001 and 0.00002; ExAC 0.00002; gnomAD 0.00003; TOPMed 0.00005; ESP Exome Variant Server 0.00008; 1000 Genomes Project 30x 0.00016; 1000 Genomes Project 0.00020.

Submission:

Labcorp Genetics (formerly Invitae), Labcorp
Classification: Uncertain significance for Congenital insensitivity to pain-hypohidrosis syndrome. Last evaluated: 2021-11-17. Review status: criteria provided, single submitter. Criteria: Invitae Variant Classification Sherloc (09022015). Collection method: clinical testing. Allele origin: germline.
Comment: This sequence change replaces glycine, which is neutral and non-polar, with serine, which is neutral and polar, at codon 144 of the PRDM12 protein (p.Gly144Ser). This variant is present in population databases (rs141272501, gnomAD 0.03%). This variant has not been reported in the literature in individuals affected with PRDM12-related conditions. Algorithms developed to predict the effect of missense changes on protein structure and function are either unavailable or do not agree on the potential impact of this missense change (SIFT: "Deleterious"; PolyPhen-2: "Probably Damaging"; Align-GVGD: "Class C0"). In summary, the available evidence is currently insufficient to determine the role of this variant in disease. Therefore, it has been classified as a Variant of Uncertain Significance.